The following is an entry in ClinVar:

ClinVar aggregate classification (germline): Likely pathogenic. Review status: criteria provided, multiple submitters, no conflicts (2 of 4 stars). 3 submissions from 3 submitters: Likely pathogenic (3). Last evaluated 2026-01-02.

Conditions:
Retinitis pigmentosa 25 (RP25). Identifiers: Orphanet 791, MedGen C1864446, MONDO:0011272, OMIM 602772.

Submissions (3):

Labcorp Genetics (formerly Invitae), Labcorp
Classification: Likely pathogenic. Last evaluated: 2026-01-02. Review status: criteria provided, single submitter. Criteria: Invitae Variant Classification Sherloc (09022015). Collection method: clinical testing. Allele origin: germline.
Comment: This sequence change affects an acceptor splice site in intron 15 of the EYS gene. It is expected to disrupt RNA splicing. Variants that disrupt the donor or acceptor splice site typically lead to a loss of protein function (PMID: 16199547), and loss-of-function variants in EYS are known to be pathogenic (PMID: 18836446, 20333770). This variant is not present in population databases (gnomAD no frequency). This variant has not been reported in the literature in individuals affected with EYS-related conditions. ClinVar contains an entry for this variant (Variation ID: 2675277). Algorithms developed to predict the effect of sequence changes on RNA splicing suggest that this variant may disrupt the consensus splice site. In summary, the currently available evidence indicates that the variant is pathogenic, but additional data are needed to prove that conclusively. Therefore, this variant has been classified as Likely Pathogenic.

Natera, Inc.
Classification: Likely pathogenic for Retinitis pigmentosa type 25. Last evaluated: 2025-05-29. Review status: criteria provided, single submitter. Criteria: Natera Variant Classification Schema (03/2026). Collection method: clinical testing. Allele origin: germline.
Comment: The c.2382-1G>A variant in EYS is a canonical splice acceptor site variant predicted to affect pre-mRNA splicing, which may result in an abnormal transcript and altered protein product. This variant is expected to result in nonsense mediated decay, truncation, or a dysfunctional protein product. This variant is rare in the general population with a frequency below the threshold expected for the associated phenotype(s). Given the available evidence, this variant is classified as Likely Pathogenic.

Baylor Genetics
Classification: Likely pathogenic for Retinitis pigmentosa 25. Last evaluated: 2023-05-27. Review status: criteria provided, single submitter. Criteria: ACMG Guidelines, 2015. Collection method: clinical testing. Allele origin: unknown.

Literature cited by the submitters: PubMed 16199547 (cited by Labcorp Genetics (formerly Invitae), Labcorp); PubMed 18836446 (cited by Labcorp Genetics (formerly Invitae), Labcorp); PubMed 20333770 (cited by Labcorp Genetics (formerly Invitae), Labcorp).

NM_001142800.2(EYS):c.2382-1G>A

Gene: EYS (EGF-like photoreceptor maintenance factor; minus strand). Cytogenetic location: 6q12.
Variant type: single nucleotide variant.
Coding change: c.2382-1G>A on transcript NM_001142800.2 (MANE Select); the canonical splice acceptor site of the intron before coding-DNA position 2382, G replaced by A.
Molecular consequence: splice acceptor variant.
Genome position (GRCh38, 1-based): chr6:64,912,744, C>T on the plus strand (G>A on the coding strand, the complement: EYS is on the minus strand). VCF-style: chr6-64912744-C-T. GRCh37 (hg19) VCF-style: chr6-65622637-C-T.
Other names: c.2382-1G>A (NM_001292009.2, NM_001142800.1).
Identifiers: ClinVar variation 2675277 (VCV002675277.3), dbSNP rs2533384442, ClinGen allele CA364786653.
Genomic context (GRCh38, chr6:64,912,744, plus strand): 5'-TCGCATTCATTTATTTCTTCACTACAGTTCTGTCCAGTCCATCCAGATGTACACTCACAT[C>T]TGAAATAAAATATTAAAATTTTTAGAAGTGTGAACTCTTTTTCAAGTTTATTTTTTGTAT-3'